The following is an entry in ClinVar:

ClinVar aggregate classification (germline): Uncertain significance. Review status: criteria provided, multiple submitters, no conflicts (2 of 4 stars). 2 submissions from 2 submitters: Uncertain significance (2). Last evaluated 2025-01-01.

Conditions:
Hereditary cancer-predisposing syndrome. Also called: Neoplastic Syndromes, Hereditary; Tumor predisposition; Hereditary Cancer Syndrome; Hereditary neoplastic syndrome. Identifiers: Orphanet 140162, MedGen C0027672, MeSH D009386, MONDO:0015356.
Oligodontia-cancer predisposition syndrome. Also called: TOOTH AGENESIS-COLORECTAL CANCER SYNDROME. Identifiers: Orphanet 300576, MedGen C1837750, MONDO:0012075, OMIM 608615. Disease mechanism: loss of function.

Allele frequency attached by ClinVar (database versions not stated): gnomAD exomes below 0.00001.
gnomAD v4.1: 1 of 1,613,880 alleles (0.000062%); highest among the groups gnomAD compares: East Asian, 0.0022%; no homozygotes.

Submissions (2):

Labcorp Genetics (formerly Invitae), Labcorp
Classification: Uncertain significance for Oligodontia-cancer predisposition syndrome. Last evaluated: 2025-01-01. Review status: criteria provided, single submitter. Criteria: Invitae Variant Classification Sherloc (09022015). Collection method: clinical testing. Allele origin: germline.
Comment: This sequence change replaces histidine, which is basic and polar, with tyrosine, which is neutral and polar, at codon 513 of the AXIN2 protein (p.His513Tyr). This variant is not present in population databases (gnomAD no frequency). This variant has not been reported in the literature in individuals affected with AXIN2-related conditions. ClinVar contains an entry for this variant (Variation ID: 641042). Invitae Evidence Modeling of protein sequence and biophysical properties (such as structural, functional, and spatial information, amino acid conservation, physicochemical variation, residue mobility, and thermodynamic stability) indicates that this missense variant is not expected to disrupt AXIN2 protein function with a negative predictive value of 80%. In summary, the available evidence is currently insufficient to determine the role of this variant in disease. Therefore, it has been classified as a Variant of Uncertain Significance.

Ambry Genetics
Classification: Uncertain significance for Hereditary cancer-predisposing syndrome. Last evaluated: 2024-06-21. Review status: criteria provided, single submitter. Criteria: Ambry Variant Classification Scheme 2023. Collection method: clinical testing. Allele origin: germline.
Comment: The p.H513Y variant (also known as c.1537C>T), located in coding exon 5 of the AXIN2 gene, results from a C to T substitution at nucleotide position 1537. The histidine at codon 513 is replaced by tyrosine, an amino acid with similar properties. This alteration was detected in a cohort of 181 individuals, including both cancer patients and healthy controls, who underwent germline next generation sequencing (Guan Y et al. Fam Cancer, 2015 Mar;14:9-18). This amino acid position is highly conserved in available vertebrate species. In addition, the in silico prediction for this alteration is inconclusive. Based on the available evidence, the clinical significance of this variant remains unclear.

Literature cited by the submitters: PubMed 25151137 (cited by Ambry Genetics).

NM_004655.4(AXIN2):c.1537C>T (p.His513Tyr)

Gene: AXIN2 (axin 2; minus strand). Cytogenetic location: 17q24.1.
Variant type: single nucleotide variant.
Coding change: c.1537C>T on transcript NM_004655.4 (MANE Select); coding-DNA position 1537, C replaced by T.
Protein change: p.His513Tyr; replaces histidine 513 with tyrosine.
Molecular consequence: missense variant.
Genome position (GRCh38, 1-based): chr17:65,537,499, G>A on the plus strand (C>T on the coding strand, the complement: AXIN2 is on the minus strand). VCF-style: chr17-65537499-G-A. GRCh37 (hg19) VCF-style: chr17-63533617-G-A.
Other names: c.1537C>T (LRG_296t1); c.1537C>T, p.His513Tyr (NM_001363813.1); short protein forms H513Y.
Identifiers: ClinVar variation 641042 (VCV000641042.10), dbSNP rs1598098865, ClinGen allele CA400677312.
Genomic context (GRCh38, chr17:65,537,499, plus strand): 5'-CCTCGATCTCCTCCTTGGTCTTGGGGACGGCATGGTGGTGGATGTAGTGGTGGTGGACAT[G>A]CTTCGTCGTCTGCTTGGTCACAAAGCCTTTGCCCCCGAGGAGGGGGCAGGCGCCCGGCGA-3'
Protein context (NP_004646.3, residues 503-523): KGFVTKQTTK[His513Tyr]VHHHYIHHHA